The following is an entry in ClinVar:

ClinVar aggregate classification (germline): Uncertain significance. Review status: criteria provided, multiple submitters, no conflicts (2 of 4 stars). 2 submissions from 2 submitters: Uncertain significance (2). Last evaluated 2025-12-21.

Conditions:
Hereditary cancer-predisposing syndrome. Also called: Hereditary Cancer Syndrome; Hereditary neoplastic syndrome; Tumor predisposition; Neoplastic Syndromes, Hereditary. Identifiers: Orphanet 140162, MedGen C0027672, MeSH D009386, MONDO:0015356.

Allele frequency attached by ClinVar (database versions not stated): gnomAD exomes below 0.00001; gnomAD 0.00001.
gnomAD v4.1: 5 of 1,614,208 alleles (0.00031%); highest among the groups gnomAD compares: South Asian, 0.0055%; no homozygotes.

Submissions (2):

Labcorp Genetics (formerly Invitae), Labcorp
Classification: Uncertain significance. Last evaluated: 2025-12-21. Review status: criteria provided, single submitter. Criteria: Invitae Variant Classification Sherloc (09022015). Collection method: clinical testing. Allele origin: germline.
Comment: This sequence change replaces glycine, which is neutral and non-polar, with glutamic acid, which is acidic and polar, at codon 186 of the HOXB13 protein (p.Gly186Glu). This variant is present in population databases (no rsID available, gnomAD 0.003%). This variant has not been reported in the literature in individuals affected with HOXB13-related conditions. ClinVar contains an entry for this variant (Variation ID: 972240). Invitae Evidence Modeling of protein sequence and biophysical properties (such as structural, functional, and spatial information, amino acid conservation, physicochemical variation, residue mobility, and thermodynamic stability) indicates that this missense variant is not expected to disrupt HOXB13 protein function with a negative predictive value of 80%. In summary, the available evidence is currently insufficient to determine the role of this variant in disease. Therefore, it has been classified as a Variant of Uncertain Significance.

Ambry Genetics
Classification: Uncertain significance for Hereditary cancer-predisposing syndrome. Last evaluated: 2024-09-20. Review status: criteria provided, single submitter. Criteria: Ambry Variant Classification Scheme 2023. Collection method: clinical testing. Allele origin: germline.
Comment: The p.G186E variant (also known as c.557G>A), located in coding exon 1 of the HOXB13 gene, results from a G to A substitution at nucleotide position 557. The glycine at codon 186 is replaced by glutamic acid, an amino acid with similar properties. This amino acid position is highly conserved through mammalian species. In addition, the in silico prediction for this alteration is inconclusive. Since supporting evidence is limited at this time, the clinical significance of this alteration remains unclear.

NM_006361.6(HOXB13):c.557G>A (p.Gly186Glu)

Gene: HOXB13 (homeobox B13; minus strand). Cytogenetic location: 17q21.32.
Variant type: single nucleotide variant.
Coding change: c.557G>A on transcript NM_006361.6 (MANE Select); coding-DNA position 557, G replaced by A.
Protein change: p.Gly186Glu; replaces glycine 186 with glutamic acid.
Molecular consequence: missense variant.
Genome position (GRCh38, 1-based): chr17:48,728,037, C>T on the plus strand (G>A on the coding strand, the complement: HOXB13 is on the minus strand). VCF-style: chr17-48728037-C-T. GRCh37 (hg19) VCF-style: chr17-46805399-C-T.
Other names: short protein forms G186E.
Identifiers: ClinVar variation 972240 (VCV000972240.10), dbSNP rs1483360509, ClinGen allele CA400107191.